The following is an entry in ClinVar:

NM_014743.3(KIAA0232):c.4043A>G (p.Glu1348Gly)

Gene: KIAA0232 (KIAA0232; plus strand). Cytogenetic location: 4p16.1.
Variant type: single nucleotide variant.
Coding change: c.4043A>G on transcript NM_014743.3 (MANE Select); coding-DNA position 4043, A replaced by G.
Protein change: p.Glu1348Gly; replaces glutamic acid 1348 with glycine.
Molecular consequence: missense variant.
Genome position (GRCh38, 1-based): chr4:6,880,821, A>G. VCF-style: chr4-6880821-A-G. GRCh37 (hg19) VCF-style: chr4-6882548-A-G.
Other names: c.4043A>G, p.Glu1348Gly (NM_001100590.2); short protein forms E1348G.
Identifiers: ClinVar variation 4856927 (VCV004856927.2).

ClinVar aggregate classification (germline): Likely benign (1 of 4 stars; one submission).

gnomAD v4.1: 351 of 1,597,856 alleles (0.022%); highest among the groups gnomAD compares: African/African-American, 0.42%; 1 homozygote.

Submission:

Dasa
Classification: Likely benign. Last evaluated: 2026-01-17. Review status: criteria provided, single submitter. Criteria: DASA Assertion Criteria. Collection method: clinical testing. Allele origin: germline.
Comment: NM_014743.3(KIAA0232):c.4043A>G (p.Glu1348Gly) is a missense variant that results in the substitution of glutamic acid with glycine. Computational prediction algorithms are consistent with a benign effect. Therefore, based on the currently available evidence, this variant is classified as likely benign.